The following is an entry in ClinVar:

ClinVar aggregate classification (germline): Uncertain significance. Review status: criteria provided, multiple submitters, no conflicts (2 of 4 stars). 2 submissions from 2 submitters: Uncertain significance (2). Last evaluated 2026-03-04.

Conditions:
ALG5-related disorder. Also called: ALG5-related condition.

gnomAD v4.1: 3 of 1,604,428 alleles (0.00019%); highest among the groups gnomAD compares: South Asian, 0.0011%; no homozygotes.

Submissions (2):

PreventionGenetics, part of Exact Sciences
Classification: Uncertain significance for ALG5-related condition. Last evaluated: 2026-03-04. Review status: criteria provided, single submitter. Criteria: ACMG Guidelines, 2015. Collection method: clinical testing. Allele origin: germline.
Comment: The ALG5 c.590G>A variant is predicted to result in the amino acid substitution p.Arg197Gln. To our knowledge, this variant has not been reported in the literature. This variant is reported in 0.00088% of alleles in individuals of European (Non-Finnish) descent in gnomAD. At this time, the clinical significance of this variant is uncertain due to the absence of conclusive functional and genetic evidence.

Ambry Genetics
Classification: Uncertain significance. Last evaluated: 2025-08-14. Review status: criteria provided, single submitter. Criteria: Ambry Variant Classification Scheme 2023. Collection method: clinical testing. Allele origin: germline.

NM_013338.5(ALG5):c.590G>A (p.Arg197Gln)

Gene: ALG5 (ALG5 dolichyl-phosphate beta-glucosyltransferase; minus strand). Cytogenetic location: 13q13.3.
Variant type: single nucleotide variant.
Coding change: c.590G>A on transcript NM_013338.5 (MANE Select); coding-DNA position 590, G replaced by A.
Protein change: p.Arg197Gln; replaces arginine 197 with glutamine.
Molecular consequence: missense variant.
Genome position (GRCh38, 1-based): chr13:36,972,008, C>T on the plus strand (G>A on the coding strand, the complement: ALG5 is on the minus strand). VCF-style: chr13-36972008-C-T. GRCh37 (hg19) VCF-style: chr13-37546145-C-T.
Other names: c.500G>A, p.Arg167Gln (NM_001142364.1); short protein forms R167Q, R197Q.
Identifiers: ClinVar variation 4270686 (VCV004270686.2).